The following is an entry in ClinVar:

ClinVar aggregate classification (germline): Likely benign (1 of 4 stars; one submission).

Allele frequency attached by ClinVar (database versions not stated): 1000 Genomes Project 0.00280; 1000 Genomes Project 30x 0.00312; gnomAD 0.00442; ExAC 0.00453; TOPMed 0.00469; ESP Exome Variant Server 0.00546.

Submission:

CeGaT Center for Human Genetics Tuebingen
Classification: Likely benign. Last evaluated: 2025-09-01. Review status: criteria provided, single submitter. Criteria: CeGaT Center For Human Genetics Tuebingen Variant Classification Criteria Version 2. Collection method: clinical testing. Allele origin: germline. Affected: yes. Observed: 2 variant alleles.
Comment: RIOK1: BP4, BS2

NM_031480.3(RIOK1):c.1123G>A (p.Val375Ile)

Gene: RIOK1 (RIO kinase 1; plus strand). Cytogenetic location: 6p24.3.
Variant type: single nucleotide variant.
Coding change: c.1123G>A on transcript NM_031480.3 (MANE Select); coding-DNA position 1123, G replaced by A.
Protein change: p.Val375Ile; replaces valine 375 with isoleucine.
Molecular consequence: missense variant.
Genome position (GRCh38, 1-based): chr6:7,405,275, G>A. VCF-style: chr6-7405275-G-A. GRCh37 (hg19) VCF-style: chr6-7405508-G-A.
Other names: c.811G>A, p.Val271Ile (NM_001348194.2); short protein forms V271I, V375I.
Identifiers: ClinVar variation 3250517 (VCV003250517.18), dbSNP rs56067778.